The following is an entry in ClinVar:

ClinVar aggregate classification (germline): Uncertain significance. Review status: criteria provided, multiple submitters, no conflicts (2 of 4 stars). 2 submissions from 2 submitters: Uncertain significance (2). Last evaluated 2025-08-14.

Conditions:
Neutropenia, severe congenital, 2, autosomal dominant. Identifiers: Orphanet 486, MedGen C2751288, MONDO:0013139, OMIM 613107.

Allele frequency attached by ClinVar (database versions not stated): gnomAD exomes 0.00001.

Submissions (2):

Ambry Genetics
Classification: Uncertain significance. Last evaluated: 2025-08-14. Review status: criteria provided, single submitter. Criteria: Ambry Variant Classification Scheme 2023. Collection method: clinical testing. Allele origin: germline.

Labcorp Genetics (formerly Invitae), Labcorp
Classification: Uncertain significance for Neutropenia, severe congenital, 2, autosomal dominant. Last evaluated: 2023-10-03. Review status: criteria provided, single submitter. Criteria: Invitae Variant Classification Sherloc (09022015). Collection method: clinical testing. Allele origin: germline.
Comment: This sequence change replaces leucine, which is neutral and non-polar, with proline, which is neutral and non-polar, at codon 250 of the GFI1 protein (p.Leu250Pro). This variant is present in population databases (no rsID available, gnomAD 0.03%). This variant has not been reported in the literature in individuals affected with GFI1-related conditions. ClinVar contains an entry for this variant (Variation ID: 1937120). Advanced modeling of protein sequence and biophysical properties (such as structural, functional, and spatial information, amino acid conservation, physicochemical variation, residue mobility, and thermodynamic stability) performed at Invitae indicates that this missense variant is not expected to disrupt GFI1 protein function. In summary, the available evidence is currently insufficient to determine the role of this variant in disease. Therefore, it has been classified as a Variant of Uncertain Significance.

NM_005263.5(GFI1):c.749T>C (p.Leu250Pro)

Gene: GFI1 (growth factor independent 1 transcriptional repressor; minus strand). Cytogenetic location: 1p22.1.
Variant type: single nucleotide variant.
Coding change: c.749T>C on transcript NM_005263.5 (MANE Select); coding-DNA position 749, T replaced by C.
Protein change: p.Leu250Pro; replaces leucine 250 with proline.
Molecular consequence: missense variant.
Genome position (GRCh38, 1-based): chr1:92,480,638, A>G on the plus strand (T>C on the coding strand, the complement: GFI1 is on the minus strand). VCF-style: chr1-92480638-A-G. GRCh37 (hg19) VCF-style: chr1-92946195-A-G.
Other names: c.749T>C, p.Leu250Pro (NM_001127215.3, NM_001127216.3); short protein forms L250P.
Identifiers: ClinVar variation 1937120 (VCV001937120.7), dbSNP rs1247558502, ClinGen allele CA341149048.